The following is an entry in ClinVar:

NM_001205293.3(CACNA1E):c.2215T>C (p.Ser739Pro)

Gene: CACNA1E (calcium voltage-gated channel subunit alpha1 E; plus strand). Cytogenetic location: 1q25.3.
Variant type: single nucleotide variant.
Coding change: c.2215T>C on transcript NM_001205293.3 (MANE Select); coding-DNA position 2215, T replaced by C.
Protein change: p.Ser739Pro; replaces serine 739 with proline.
Molecular consequence: missense variant.
Genome position (GRCh38, 1-based): chr1:181,726,137, T>C. VCF-style: chr1-181726137-T-C. GRCh37 (hg19) VCF-style: chr1-181695273-T-C.
Other names: c.2215T>C, p.Ser739Pro (NM_000721.4, NM_001205294.2); short protein forms S739P.
Identifiers: ClinVar variation 4799987 (VCV004799987.1).
Genomic context (GRCh38, chr1:181,726,137, plus strand): 5'-GAAGAAGAGGCCTTCAACCAGAAACATGCACTGCAGAAGGCCAAGGAGGTCAGCCCGATG[T>C]CTGCACCCAACATGCCTTCGATCGAGTGAGTCAGCTGCCCCCTTCACTGATCCCTGAGCT-3'
Protein context (NP_001192222.1, residues 729-749): LQKAKEVSPM[Ser739Pro]APNMPSIERD

ClinVar aggregate classification (germline): Uncertain significance (1 of 4 stars; one submission).

Submission:

Labcorp Genetics (formerly Invitae), Labcorp
Classification: Uncertain significance. Last evaluated: 2025-06-27. Review status: criteria provided, single submitter. Criteria: Invitae Variant Classification Sherloc (09022015). Collection method: clinical testing. Allele origin: germline.
Comment: This sequence change replaces serine, which is neutral and polar, with proline, which is neutral and non-polar, at codon 739 of the CACNA1E protein (p.Ser739Pro). This variant is not present in population databases (gnomAD no frequency). This variant has not been reported in the literature in individuals affected with CACNA1E-related conditions. Invitae Evidence Modeling of protein sequence and biophysical properties (such as structural, functional, and spatial information, amino acid conservation, physicochemical variation, residue mobility, and thermodynamic stability) has been performed for this missense variant. However, the output from this modeling did not meet the statistical confidence thresholds required to predict the impact of this variant on CACNA1E protein function. In summary, the available evidence is currently insufficient to determine the role of this variant in disease. Therefore, it has been classified as a Variant of Uncertain Significance.